The following is an entry in ClinVar:

NM_001272071.2(AP1S2):c.416T>G (p.Leu139Arg)

Gene: AP1S2 (adaptor related protein complex 1 subunit sigma 2; minus strand). Cytogenetic location: Xp22.2.
Variant type: single nucleotide variant.
Coding change: c.416T>G on transcript NM_001272071.2 (MANE Select); coding-DNA position 416, T replaced by G.
Protein change: p.Leu139Arg; replaces leucine 139 with arginine.
Molecular consequence: missense variant. On other transcripts: non-coding transcript variant (2).
Genome position (GRCh38, 1-based): chrX:15,845,389, A>C on the plus strand (T>G on the coding strand, the complement: AP1S2 is on the minus strand). VCF-style: chrX-15845389-A-C. GRCh37 (hg19) VCF-style: chrX-15863512-A-C.
Other names: c.416T>G, p.Leu139Arg (NM_001368994.1, NM_001369007.1, NM_001369008.1 and 1 more transcripts); short protein forms L139R.
Identifiers: ClinVar variation 2869094 (VCV002869094.3), dbSNP rs1006480772, ClinGen allele CA327137570.

ClinVar aggregate classification (germline): Uncertain significance (1 of 4 stars; one submission).

Submission:

Labcorp Genetics (formerly Invitae), Labcorp
Classification: Uncertain significance. Last evaluated: 2024-01-22. Review status: criteria provided, single submitter. Criteria: Invitae Variant Classification Sherloc (09022015). Collection method: clinical testing. Allele origin: germline.
Comment: This sequence change replaces leucine, which is neutral and non-polar, with arginine, which is basic and polar, at codon 139 of the AP1S2 protein (p.Leu139Arg). This variant is not present in population databases (gnomAD no frequency). This variant has not been reported in the literature in individuals affected with AP1S2-related conditions. An algorithm developed to predict the effect of missense changes on protein structure and function (PolyPhen-2) suggests that this variant is likely to be tolerated. In summary, the available evidence is currently insufficient to determine the role of this variant in disease. Therefore, it has been classified as a Variant of Uncertain Significance.